The following is an entry in ClinVar:

ClinVar aggregate classification (germline): Pathogenic (1 of 4 stars; one submission).

Conditions:
Neurofibromatosis, type 1 (NF1). Also called: VON RECKLINGHAUSEN DISEASE; Neurofibromatosis, type I; NEUROFIBROMATOSIS, TYPE I, SOMATIC; Peripheral type neurofibromatosis. Identifiers: Orphanet 636, MedGen C0027831, MONDO:0018975, OMIM 162200. Disease mechanism: loss of function.

Submission:

Labcorp Genetics (formerly Invitae), Labcorp
Classification: Pathogenic for Neurofibromatosis, type 1. Last evaluated: 2023-09-25. Review status: criteria provided, single submitter. Criteria: Invitae Variant Classification Sherloc (09022015). Collection method: clinical testing. Allele origin: germline.
Comment: This sequence change creates a premature translational stop signal (p.Ser657Thrfs*19) in the NF1 gene. It is expected to result in an absent or disrupted protein product. Loss-of-function variants in NF1 are known to be pathogenic (PMID: 10712197, 23913538). This variant is not present in population databases (gnomAD no frequency). This variant has not been reported in the literature in individuals affected with NF1-related conditions. For these reasons, this variant has been classified as Pathogenic.

Literature cited by the submitters: PubMed 10712197; PubMed 23913538.

NM_001042492.3(NF1):c.1949_1967dup (p.Ser657fs)

Gene: NF1 (neurofibromin 1; plus strand). Cytogenetic location: 17q11.2.
Variant type: Duplication.
Coding change: c.1949_1967dup on transcript NM_001042492.3 (MANE Select); coding-DNA positions 1949 to 1967, 19 bases duplicated (TACTACGTACTCCTGGAGC).
Protein change: p.Ser657fs; shifts the reading frame from serine 657.
Molecular consequence: frameshift variant.
Genome position (GRCh38, 1-based): chr17:31,225,198-31,225,216, TACTACGTACTCCTGGAGC duplicated. VCF-style (leftmost placement, unchanged base first): chr17-31225197-T-TTACTACGTACTCCTGGAGC. GRCh37 (hg19) VCF-style: chr17-29552215-T-TTACTACGTACTCCTGGAGC.
Other names: c.1949_1967dup, p.Ser657Thrfs (NM_000267.4); short protein forms S657fs.
Identifiers: ClinVar variation 2763261 (VCV002763261.3), dbSNP rs2508142176, ClinGen allele CA2697559700.